The following is an entry in ClinVar:

NM_000051.4(ATM):c.5373T>C (p.Asp1791=)

Gene: ATM (ATM serine/threonine kinase; plus strand). Cytogenetic location: 11q22.3.
Variant type: single nucleotide variant.
Coding change: c.5373T>C on transcript NM_000051.4 (MANE Select); coding-DNA position 5373, T replaced by C.
Protein change: p.Asp1791=; no amino-acid change (aspartic acid 1791 retained).
Molecular consequence: synonymous variant.
Genome position (GRCh38, 1-based): chr11:108,302,906, T>C. VCF-style: chr11-108302906-T-C. GRCh37 (hg19) VCF-style: chr11-108173633-T-C.
Other names: c.5373T>C, p.Asp1791= (NM_001351834.2).
Identifiers: ClinVar variation 1279927 (VCV001279927.4), dbSNP rs2135928197, ClinGen allele CA476674915.
Genomic context (GRCh38, chr11:108,302,906, plus strand): 5'-TTTCTAGTTTTTAGAAGTACCCAGATTTGACAAAGAAAACCCTTTTGAAGGCCTGGATGA[T>C]ATAAATCTGTGGATTCCTCTAAGTGAAAATCATGACATTTGGATAAAGACACTGACTTGT-3'
Protein context (NP_000042.3, residues 1781-1801): DKENPFEGLD[Asp1791=]INLWIPLSEN

ClinVar aggregate classification (germline): Conflicting classifications of pathogenicity. Review status: criteria provided, conflicting classifications (1 of 4 stars). 3 submissions from 3 submitters: Uncertain significance (1); Benign (1); Likely benign (1). Last evaluated 2024-05-23.

Conditions:
Hereditary cancer-predisposing syndrome. Also called: Tumor predisposition; Hereditary neoplastic syndrome; Neoplastic Syndromes, Hereditary; Hereditary Cancer Syndrome. Identifiers: Orphanet 140162, MedGen C0027672, MeSH D009386, MONDO:0015356.
Familial cancer of breast. Also called: Hereditary breast cancer; BREAST CANCER, FAMILIAL; hereditary breast carcinoma. Identifiers: Orphanet 227535, MedGen C0346153, MONDO:0016419, OMIM 114480. Disease mechanism: loss of function.

Submissions (3):

Myriad Genetics, Inc.
Classification: Benign for Familial cancer of breast. Last evaluated: 2024-05-23. Review status: criteria provided, single submitter. Criteria: Myriad Autosomal Dominant, Autosomal Recessive and X-Linked Classification Criteria (2023). Collection method: clinical testing. Allele origin: unknown.
Comment: This variant is considered benign. This variant is a silent/synonymous amino acid change and it is not expected to impact splicing.

Ambry Genetics
Classification: Likely benign for Hereditary cancer-predisposing syndrome. Last evaluated: 2023-01-14. Review status: criteria provided, single submitter. Criteria: Ambry Variant Classification Scheme 2023. Collection method: clinical testing. Allele origin: germline.

Spanish ATM Cancer Susceptibility Variant Interpretation Working Group
Classification: Uncertain significance for Hereditary cancer-predisposing syndrome. Last evaluated: 2020-06-17. Review status: criteria provided, single submitter. Criteria: Feliubadaló L et al. (Clin Chem 2021). Collection method: clinical testing. Allele origin: germline. Affected: yes. Observed: 1 heterozygote.
Comment: The c.5373T>C (p.Asp1791=) variant is absent from the gnomAD v2.1.1 non-cancer dataset, in a position with adequate coverage (>20x) (PM2). It is a silent variant not predicted to lead to a splicing alteration as per SPiCE predictor and no splicing site is created/activated according to at least 3 splicing predictors of the set SpliceSiteFinderlike - MaxEntScan - NNSplice – GeneSplicer (BP4). The variant is located at a nucleotide that is not highly conserved across species, based on PhyloP (BP7). Therefore, this variant meets criteria to be classified as likely benign. Adapted ACMG/AMP rules applied as defined by the Spanish ATM working group: PM2 + BP4 + BP7 (PMID: 33280026).